The following is an entry in ClinVar:

NM_001353345.2(SETD1B):c.4777CCCCCACCT[1] (p.Pro1596_Pro1598del)

Gene: SETD1B (SET domain containing 1B, histone lysine methyltransferase; plus strand). Cytogenetic location: 12q24.31.
Variant type: Microsatellite.
Coding change: c.4777CCCCCACCT[1] on transcript NM_001353345.2 (MANE Select); one copy of the 9-base unit CCCCCACCT starting at c.4777; the reference has two copies in a row; one copy, 9 bases deleted.
Protein change: p.Pro1596_Pro1598del.
Molecular consequence: inframe deletion.
Genome position (GRCh38, 1-based): chr12:121,823,365-121,823,373, CCCCCACCT deleted; deleting any 9 consecutive bases within chr12:121,823,356-121,823,373 gives the same sequence; the position shown is the placement nearest the transcript's 3' end. VCF-style (leftmost placement, unchanged base first): chr12-121823355-ACCCCCACCT-A. GRCh37 (hg19) VCF-style: chr12-122261261-ACCCCCACCT-A.
Identifiers: ClinVar variation 2643476 (VCV002643476.24), dbSNP rs2500236840, ClinGen allele CA2575327336.

ClinVar aggregate classification (germline): Uncertain significance (1 of 4 stars; one submission).

Submission:

CeGaT Center for Human Genetics Tuebingen
Classification: Uncertain significance. Last evaluated: 2023-04-01. Review status: criteria provided, single submitter. Criteria: CeGaT Center For Human Genetics Tuebingen Variant Classification Criteria Version 2. Collection method: clinical testing. Allele origin: germline. Affected: yes. Observed: 1 variant allele.
Comment: SETD1B: PM4